The following is an entry in ClinVar:

NC_000007.13:g.(?_65551562)_(65557909_?)dup

Gene: ASL (argininosuccinate lyase; plus strand). Cytogenetic location: 7q11.21.
Variant type: Duplication.
Identifiers: ClinVar variation 2422200 (VCV002422200.3).

ClinVar aggregate classification (germline): Uncertain significance (1 of 4 stars; one submission).

Conditions:
Argininosuccinate lyase deficiency. Also called: ARGININOSUCCINIC ACID LYASE DEFICIENCY; ASL DEFICIENCY; Argininosuccinic aciduria. Identifiers: Orphanet 23, MedGen C0268547, MONDO:0008815, OMIM 207900, HP:0025630.

Submission:

Labcorp Genetics (formerly Invitae), Labcorp
Classification: Uncertain significance for Argininosuccinate lyase deficiency. Last evaluated: 2021-08-04. Review status: criteria provided, single submitter. Criteria: Invitae Variant Classification Sherloc (09022015). Collection method: clinical testing. Allele origin: germline.
Comment: This variant results in a copy number gain of the genomic region encompassing exon(s) 7-17 of the ASL gene. The 5' boundary is likely confined to intron 6. The 3' end of this event is unknown as it extends beyond the assayed region for this gene and therefore may encompass additional genes. As the precise location of this event is unknown, it may be in tandem or it may be located elsewhere in the genome. This variant has not been reported in the literature in individuals affected with ASL-related conditions. Experimental studies and prediction algorithms are not available or were not evaluated, and the functional significance of this variant is currently unknown. In summary, the available evidence is currently insufficient to determine the role of this variant in disease. Therefore, it has been classified as a Variant of Uncertain Significance.